The following is an entry in ClinVar:

ClinVar aggregate classification (germline): Uncertain significance. Review status: criteria provided, multiple submitters, no conflicts (2 of 4 stars). 2 submissions from 2 submitters: Uncertain significance (2). Last evaluated 2025-06-05.

Conditions:
Inborn genetic diseases. Identifiers: MedGen C0950123, MeSH D030342.
Pulmonary fibrosis and/or bone marrow failure, Telomere-related, 3. Also called: PULMONARY FIBROSIS AND/OR BONE MARROW FAILURE SYNDROME, TELOMERE-RELATED, 3. Identifiers: Orphanet 2032, MedGen C4225346, MONDO:0014613, OMIM 616373.
Dyskeratosis congenita, autosomal recessive 5 (DKCB5). Identifiers: MedGen C3554656, MONDO:0014076, OMIM 615190.

Allele frequency attached by ClinVar (database versions not stated): gnomAD exomes below 0.00001; gnomAD 0.00001; TOPMed 0.00001.
gnomAD v4.1: 3 of 1,613,230 alleles (0.00019%); highest among the groups gnomAD compares: African/African-American, 0.0013%; no homozygotes.

Submissions (2):

Labcorp Genetics (formerly Invitae), Labcorp
Classification: Uncertain significance for Dyskeratosis congenita, autosomal recessive 5; Pulmonary fibrosis and/or bone marrow failure, Telomere-related, 3. Last evaluated: 2025-06-05. Review status: criteria provided, single submitter. Criteria: Invitae Variant Classification Sherloc (09022015). Collection method: clinical testing. Allele origin: germline.
Comment: This sequence change replaces isoleucine, which is neutral and non-polar, with valine, which is neutral and non-polar, at codon 395 of the RTEL1 protein (p.Ile395Val). This variant is present in population databases (no rsID available, gnomAD 0.007%). This variant has not been reported in the literature in individuals affected with RTEL1-related conditions. ClinVar contains an entry for this variant (Variation ID: 473902). An algorithm developed to predict the effect of missense changes on protein structure and function (PolyPhen-2) suggests that this variant is likely to be tolerated. In summary, the available evidence is currently insufficient to determine the role of this variant in disease. Therefore, it has been classified as a Variant of Uncertain Significance.

Ambry Genetics
Classification: Uncertain significance for Inborn genetic diseases. Last evaluated: 2024-10-02. Review status: criteria provided, single submitter. Criteria: Ambry Variant Classification Scheme 2023. Collection method: clinical testing. Allele origin: germline.
Comment: The p.I395V variant (also known as c.1183A>G), located in coding exon 13 of the RTEL1 gene, results from an A to G substitution at nucleotide position 1183. The isoleucine at codon 395 is replaced by valine, an amino acid with highly similar properties. This amino acid position is conserved. In addition, this alteration is predicted to be tolerated by in silico analysis. Based on the available evidence, the clinical significance of this variant remains unclear.

NM_001283009.2(RTEL1):c.1183A>G (p.Ile395Val)

Genes: RTEL1 (regulator of telomere elongation helicase 1; plus strand), RTEL1-TNFRSF6B (RTEL1-TNFRSF6B readthrough (NMD candidate); plus strand). Cytogenetic location: 20q13.33.
Variant type: single nucleotide variant.
Coding change: c.1183A>G on transcript NM_001283009.2 (MANE Select); coding-DNA position 1183, A replaced by G.
Protein change: p.Ile395Val; replaces isoleucine 395 with valine.
Molecular consequence: missense variant. On other transcripts: non-coding transcript variant (1).
Genome position (GRCh38, 1-based): chr20:63,680,711, A>G. VCF-style: chr20-63680711-A-G. GRCh37 (hg19) VCF-style: chr20-62312064-A-G.
Other names: c.514A>G, p.Ile172Val (NM_001283010.1); c.1183A>G, p.Ile395Val (NM_016434.4); c.1255A>G, p.Ile419Val (NM_032957.5); short protein forms I395V, I419V, I172V.
Identifiers: ClinVar variation 473902 (VCV000473902.11), dbSNP rs1355147182, ClinGen allele CA409674662.